The following is an entry in ClinVar:

ClinVar aggregate classification (germline): Likely benign. Review status: criteria provided, multiple submitters, no conflicts (2 of 4 stars). 3 submissions from 3 submitters: Likely benign (3). Last evaluated 2025-07-27.

Conditions:
Familial thoracic aortic aneurysm and aortic dissection (TAAD). Also called: Thoracic aortic aneurysms and dissections. Identifiers: Orphanet 91387, MedGen C4707243, MONDO:0019625.
Aortic aneurysm, familial thoracic 4 (AAT4). Also called: AORTIC ANEURYSM/AORTIC DISSECTION AND PATENT DUCTUS ARTERIOSUS. Identifiers: MedGen C1851504, MONDO:0007568, OMIM 132900.

Allele frequency attached by ClinVar (database versions not stated): TOPMed below 0.00001.
gnomAD v4.1: 6 of 1,613,986 alleles (0.00037%); highest among the groups gnomAD compares: South Asian, 0.0033%; no homozygotes.

Submissions (3):

Labcorp Genetics (formerly Invitae), Labcorp
Classification: Likely benign for Aortic aneurysm, familial thoracic 4. Last evaluated: 2025-07-27. Review status: criteria provided, single submitter. Criteria: Invitae Variant Classification Sherloc (09022015). Collection method: clinical testing. Allele origin: germline.

All of Us Research Program, National Institutes of Health
Classification: Likely benign for Familial thoracic aortic aneurysm and aortic dissection. Last evaluated: 2024-05-30. Review status: criteria provided, single submitter. Criteria: ACMG Guidelines, 2015. Collection method: clinical testing. Allele origin: germline. Inheritance: Autosomal dominant inheritance. Observed: 2 variant alleles, 2 heterozygotes.
Comment: This study involves interpretation of variants in research participants for the purpose of population health screening. Participant phenotype was not available at the time of variant classification. Additional details can be found in publication PMID: 35346344, PMCID: PMC8962531

Color Diagnostics, LLC DBA Color Health
Classification: Likely benign for Familial thoracic aortic aneurysm and aortic dissection. Last evaluated: 2019-07-15. Review status: criteria provided, single submitter. Criteria: ACMG Guidelines, 2015. Collection method: clinical testing. Allele origin: germline.

NM_002474.3(MYH11):c.318G>A (p.Arg106=)

Gene: MYH11 (myosin heavy chain 11; minus strand). Cytogenetic location: 16p13.11.
Variant type: single nucleotide variant.
Coding change: c.318G>A on transcript NM_002474.3 (MANE Select); coding-DNA position 318, G replaced by A.
Protein change: p.Arg106=; no amino-acid change (arginine 106 retained).
Molecular consequence: synonymous variant.
Genome position (GRCh38, 1-based): chr16:15,837,935, C>T on the plus strand (G>A on the coding strand, the complement: MYH11 is on the minus strand). VCF-style: chr16-15837935-C-T. GRCh37 (hg19) VCF-style: chr16-15931792-C-T.
Other names: c.318G>A, p.Arg106= (NM_001040113.2, NM_001040114.2, NM_022844.3).
Identifiers: ClinVar variation 922155 (VCV000922155.5), dbSNP rs747859212, ClinGen allele CA7923096.
Genomic context (GRCh38, chr16:15,837,935, plus strand): 5'-AGGAGTAGGTACCTGGCTGCCTGCAATACTCACATATATTAGCCCTGAGAAGTACCGCTC[C>T]CTCAGGTTGTGTAGCACGGAGGCTTCGTTGAGGCACGTCAGCTCCGCCATGTCCTCCACC-3'
Protein context (NP_002465.1, residues 96-116): LNEASVLHNL[Arg106=]ERYFSGLIYT